The following is an entry in ClinVar:

ClinVar aggregate classification (germline): Uncertain significance (1 of 4 stars; one submission).

Conditions:
Hereditary cancer-predisposing syndrome. Also called: Neoplastic Syndromes, Hereditary; Tumor predisposition; Hereditary Cancer Syndrome; Hereditary neoplastic syndrome. Identifiers: Orphanet 140162, MedGen C0027672, MeSH D009386, MONDO:0015356.

Submission:

Ambry Genetics
Classification: Uncertain significance for Hereditary cancer-predisposing syndrome. Last evaluated: 2020-07-22. Review status: criteria provided, single submitter. Criteria: Ambry Variant Classification Scheme 2023. Collection method: clinical testing. Allele origin: germline.
Comment: The c.405-4A>G intronic variant results from an A to G substitution 4 nucleotides upstream from coding exon 3 in the RAD51C gene. This nucleotide position is well conserved in available vertebrate species. In silico splice site analysis predicts that this alteration will not have any significant effect on splicing. Since supporting evidence is limited at this time, the clinical significance of this alteration remains unclear.

NM_058216.3(RAD51C):c.405-4A>G

Gene: RAD51C (RAD51 paralog C; plus strand). Cytogenetic location: 17q22.
Variant type: single nucleotide variant.
Coding change: c.405-4A>G on transcript NM_058216.3 (MANE Select); 4 bases into the intron before coding-DNA position 405, A replaced by G.
Molecular consequence: intron variant.
Genome position (GRCh38, 1-based): chr17:58,696,689, A>G. VCF-style: chr17-58696689-A-G. GRCh37 (hg19) VCF-style: chr17-56774050-A-G.
Identifiers: ClinVar variation 1737397 (VCV001737397.2), dbSNP rs2143742864, ClinGen allele CA2580094402.